The following is an entry in ClinVar:

ClinVar aggregate classification (germline): Uncertain significance (1 of 4 stars; one submission).

Conditions:
Autoimmune interstitial lung disease-arthritis syndrome. Also called: Autoinflammation and autoimmunity, systemic, with immune dysregulation. Identifiers: Orphanet 444092, MedGen C5975714, MONDO:0014629.

Allele frequency attached by ClinVar (database versions not stated): ExAC 0.00001; gnomAD 0.00001; gnomAD exomes 0.00001; TOPMed 0.00001; ESP Exome Variant Server 0.00008.
gnomAD v4.1: 10 of 1,608,830 alleles (0.00062%); highest among the groups gnomAD compares: Non-Finnish European, 0.00076%; no homozygotes.

Submission:

Labcorp Genetics (formerly Invitae), Labcorp
Classification: Uncertain significance for Autoimmune interstitial lung disease-arthritis syndrome. Last evaluated: 2022-12-20. Review status: criteria provided, single submitter. Criteria: Invitae Variant Classification Sherloc (09022015). Collection method: clinical testing. Allele origin: germline.
Comment: In summary, the available evidence is currently insufficient to determine the role of this variant in disease. Therefore, it has been classified as a Variant of Uncertain Significance. Algorithms developed to predict the effect of missense changes on protein structure and function are either unavailable or do not agree on the potential impact of this missense change (SIFT: "Deleterious"; PolyPhen-2: "Benign"; Align-GVGD: "Class C0"). This variant has not been reported in the literature in individuals affected with COPA-related conditions. This variant is not present in population databases (gnomAD no frequency). This sequence change replaces histidine, which is basic and polar, with tyrosine, which is neutral and polar, at codon 103 of the COPA protein (p.His103Tyr).

NM_004371.4(COPA):c.307C>T (p.His103Tyr)

Gene: COPA (coat protein complex I subunit alpha; minus strand). Cytogenetic location: 1q23.2.
Variant type: single nucleotide variant.
Coding change: c.307C>T on transcript NM_004371.4 (MANE Select); coding-DNA position 307, C replaced by T.
Protein change: p.His103Tyr; replaces histidine 103 with tyrosine.
Molecular consequence: missense variant.
Genome position (GRCh38, 1-based): chr1:160,335,244, G>A on the plus strand (C>T on the coding strand, the complement: COPA is on the minus strand). VCF-style: chr1-160335244-G-A. GRCh37 (hg19) VCF-style: chr1-160305034-G-A.
Other names: c.307C>T, p.His103Tyr (NM_001098398.2); short protein forms H103Y.
Identifiers: ClinVar variation 2967440 (VCV002967440.3), dbSNP rs200420166, ClinGen allele CA1198413.